The following is an entry in ClinVar:

NM_130837.3(OPA1):c.838A>G (p.Thr280Ala)

Gene: OPA1 (OPA1 mitochondrial dynamin like GTPase; plus strand). Cytogenetic location: 3q29.
Variant type: single nucleotide variant.
Coding change: c.838A>G on transcript NM_130837.3 (MANE Select); coding-DNA position 838, A replaced by G.
Protein change: p.Thr280Ala; replaces threonine 280 with alanine.
Molecular consequence: missense variant.
Genome position (GRCh38, 1-based): chr3:193,631,660, A>G. VCF-style: chr3-193631660-A-G. GRCh37 (hg19) VCF-style: chr3-193349449-A-G.
Other names: c.304A>G, p.Thr102Ala (NM_001354663.2); c.301A>G, p.Thr101Ala (NM_001354664.2); c.673A>G, p.Thr225Ala (NM_015560.3); c.565A>G, p.Thr189Ala (NM_130831.3); c.619A>G, p.Thr207Ala (NM_130832.3); c.676A>G, p.Thr226Ala (NM_130833.3); c.727A>G, p.Thr243Ala (NM_130834.3); c.730A>G, p.Thr244Ala (NM_130835.3); and 2 more; short protein forms T101A, T102A, T189A, T207A, T225A, T226A, T243A, T244A.
Identifiers: ClinVar variation 1009384 (VCV001009384.9), dbSNP rs774668971, ClinGen allele CA90521983.
Genomic context (GRCh38, chr3:193,631,660, plus strand): 5'-TTAAACATTTAGGTGTCAGACAAAGAGAAAATTGACCAACTTCAGGAAGAACTTCTGCAC[A>G]CTCAGGTAATCATGATGACTAAGAAAAACTAGGGACTTTTAAAAATTATATTCGAATGTA-3'
Protein context (NP_570850.2, residues 270-290): IDQLQEELLH[Thr280Ala]QLKYQRILER

ClinVar aggregate classification (germline): Uncertain significance. Review status: criteria provided, multiple submitters, no conflicts (2 of 4 stars). 4 submissions from 4 submitters: Uncertain significance (4). Last evaluated 2025-11-25.

Conditions:
Inborn genetic diseases. Identifiers: MedGen C0950123, MeSH D030342.

Allele frequency attached by ClinVar (database versions not stated): gnomAD 0.00002 and 0.00003; gnomAD exomes 0.00003; TOPMed 0.00003.
gnomAD v4.1: 45 of 1,610,918 alleles (0.0028%); highest among the groups gnomAD compares: Non-Finnish European, 0.0036%; no homozygotes.

Submissions (4):

Women's Health and Genetics/Laboratory Corporation of America, LabCorp
Classification: Uncertain significance. Last evaluated: 2025-11-25. Review status: criteria provided, single submitter. Criteria: LabCorp Variant Classification Summary - May 2015. Collection method: clinical testing. Allele origin: germline.
Comment: Variant summary: OPA1 c.673A>G (p.Thr225Ala) results in a non-conservative amino acid change in the encoded protein sequence. Algorithms developed to predict the effect of missense changes on protein structure and function all suggest that this variant is likely to be disruptive. The frequency data for this variant in gnomAD is considered unreliable, as metrics indicate poor data quality at this position. To our knowledge, no occurrence of c.673A>G in individuals affected with OPA1-related conditions and no experimental evidence demonstrating its impact on protein function have been reported. ClinVar contains an entry for this variant (Variation ID: 1009384). Based on the evidence outlined above, the variant was classified as uncertain significance.

Labcorp Genetics (formerly Invitae), Labcorp
Classification: Uncertain significance. Last evaluated: 2025-07-13. Review status: criteria provided, single submitter. Criteria: Invitae Variant Classification Sherloc (09022015). Collection method: clinical testing. Allele origin: germline.
Comment: This sequence change replaces threonine, which is neutral and polar, with alanine, which is neutral and non-polar, at codon 225 of the OPA1 protein (p.Thr225Ala). The frequency data for this variant in the population databases is considered unreliable, as metrics indicate poor data quality at this position in the gnomAD database. This variant has not been reported in the literature in individuals affected with OPA1-related conditions. ClinVar contains an entry for this variant (Variation ID: 1009384). Invitae Evidence Modeling of protein sequence and biophysical properties (such as structural, functional, and spatial information, amino acid conservation, physicochemical variation, residue mobility, and thermodynamic stability) indicates that this missense variant is not expected to disrupt OPA1 protein function with a negative predictive value of 80%. In summary, the available evidence is currently insufficient to determine the role of this variant in disease. Therefore, it has been classified as a Variant of Uncertain Significance.

Ambry Genetics
Classification: Uncertain significance for Inborn genetic diseases. Last evaluated: 2025-05-01. Review status: criteria provided, single submitter. Criteria: Ambry Variant Classification Scheme 2023. Collection method: clinical testing. Allele origin: germline.

GeneDx
Classification: Uncertain significance. Last evaluated: 2024-12-31. Review status: criteria provided, single submitter. Criteria: GeneDx Variant Classification Process June 2021. Collection method: clinical testing. Allele origin: germline. Affected: yes.
Comment: Not observed at significant frequency in large population cohorts (gnomAD); In silico analysis indicates that this missense variant does not alter protein structure/function; Has not been previously published as pathogenic or benign to our knowledge